The following is an entry in ClinVar:

NM_004171.4(SLC1A2):c.776T>C (p.Met259Thr)

Gene: SLC1A2 (solute carrier family 1 member 2; minus strand). Cytogenetic location: 11p13.
Variant type: single nucleotide variant.
Coding change: c.776T>C on transcript NM_004171.4 (MANE Select); coding-DNA position 776, T replaced by C.
Protein change: p.Met259Thr; replaces methionine 259 with threonine.
Molecular consequence: missense variant.
Genome position (GRCh38, 1-based): chr11:35,301,600, A>G on the plus strand (T>C on the coding strand, the complement: SLC1A2 is on the minus strand). VCF-style: chr11-35301600-A-G. GRCh37 (hg19) VCF-style: chr11-35323147-A-G.
Other names: c.749T>C, p.Met250Thr (NM_001195728.3, NM_001252652.2); c.776T>C (NM_004171.3); short protein forms M259T, M250T.
Identifiers: ClinVar variation 1397257 (VCV001397257.9), dbSNP rs746359775, ClinGen allele CA5947225.

ClinVar aggregate classification (germline): Uncertain significance. Review status: criteria provided, multiple submitters, no conflicts (2 of 4 stars). 2 submissions from 2 submitters: Uncertain significance (2). Last evaluated 2025-06-06.

Conditions:
Inborn genetic diseases. Identifiers: MedGen C0950123, MeSH D030342.

Allele frequency attached by ClinVar (database versions not stated): gnomAD exomes below 0.00001; ExAC 0.00001; gnomAD 0.00001; TOPMed 0.00001.
gnomAD v4.1: 8 of 1,613,718 alleles (0.0005%); highest among the groups gnomAD compares: African/African-American, 0.0013%; no homozygotes.

Submissions (2):

Ambry Genetics
Classification: Uncertain significance for Inborn genetic diseases. Last evaluated: 2025-06-06. Review status: criteria provided, single submitter. Criteria: Ambry Variant Classification Scheme 2023. Collection method: clinical testing. Allele origin: germline.

Labcorp Genetics (formerly Invitae), Labcorp
Classification: Uncertain significance. Last evaluated: 2022-02-28. Review status: criteria provided, single submitter. Criteria: Invitae Variant Classification Sherloc (09022015). Collection method: clinical testing. Allele origin: germline.
Comment: This sequence change replaces methionine, which is neutral and non-polar, with threonine, which is neutral and polar, at codon 259 of the SLC1A2 protein (p.Met259Thr). This variant is present in population databases (rs746359775, gnomAD 0.0009%). This variant has not been reported in the literature in individuals affected with SLC1A2-related conditions. Algorithms developed to predict the effect of missense changes on protein structure and function are either unavailable or do not agree on the potential impact of this missense change (SIFT: "Deleterious"; PolyPhen-2: "Benign"; Align-GVGD: "Class C0"). In summary, the available evidence is currently insufficient to determine the role of this variant in disease. Therefore, it has been classified as a Variant of Uncertain Significance.